The following is an entry in ClinVar:

ClinVar aggregate classification (germline): Conflicting classifications of pathogenicity. Review status: criteria provided, conflicting classifications (1 of 4 stars). 4 submissions from 4 submitters: Uncertain significance (2); Likely benign (2). Last evaluated 2024-11-18.

Conditions:
Inborn genetic diseases. Identifiers: MedGen C0950123, MeSH D030342.
Retinal dystrophy. Also called: Inherited retinal dystrophy. Identifiers: Orphanet 71862, MedGen C0854723, MeSH D058499, MONDO:0019118, HP:0000556.

Allele frequency attached by ClinVar (database versions not stated): gnomAD exomes 0.00007 and 0.00014; ESP Exome Variant Server 0.00008; ExAC 0.00014; gnomAD 0.00023 and 0.00024; TOPMed 0.00031; 1000 Genomes Project 30x 0.00047; 1000 Genomes Project 0.00060.
gnomAD v4.1: 136 of 1,613,774 alleles (0.0084%); highest among the groups gnomAD compares: East Asian, 0.082%; no homozygotes.

Submissions (4):

Labcorp Genetics (formerly Invitae), Labcorp
Classification: Uncertain significance. Last evaluated: 2024-11-18. Review status: criteria provided, single submitter. Criteria: Invitae Variant Classification Sherloc (09022015). Collection method: clinical testing. Allele origin: germline.
Comment: This sequence change replaces glycine, which is neutral and non-polar, with arginine, which is basic and polar, at codon 994 of the RBP3 protein (p.Gly994Arg). This variant is present in population databases (rs147772956, gnomAD 0.08%). This variant has not been reported in the literature in individuals affected with RBP3-related conditions. ClinVar contains an entry for this variant (Variation ID: 1426768). An algorithm developed to predict the effect of missense changes on protein structure and function outputs the following: PolyPhen-2: "Probably Damaging". The arginine amino acid residue is found in multiple mammalian species, which suggests that this missense change does not adversely affect protein function. In summary, the available evidence is currently insufficient to determine the role of this variant in disease. Therefore, it has been classified as a Variant of Uncertain Significance.

Ambry Genetics
Classification: Uncertain significance for Inborn genetic diseases. Last evaluated: 2024-02-06. Review status: criteria provided, single submitter. Criteria: Ambry Variant Classification Scheme 2023. Collection method: clinical testing. Allele origin: germline.

Dept Of Ophthalmology, Nagoya University
Classification: Likely benign for Retinal dystrophy. Last evaluated: 2023-10-01. Review status: criteria provided, single submitter. Criteria: Submitter's publication. Collection method: research. Allele origin: germline. Affected: yes.

Blueprint Genetics
Classification: Likely benign. Last evaluated: 2021-10-25. Review status: criteria provided, single submitter. Criteria: ACMG Guidelines, 2015. Collection method: clinical testing. Allele origin: germline.

NM_002900.3(RBP3):c.2980G>A (p.Gly994Arg)

Gene: RBP3 (retinol binding protein 3; plus strand). Cytogenetic location: 10q11.22.
Variant type: single nucleotide variant.
Coding change: c.2980G>A on transcript NM_002900.3 (MANE Select); coding-DNA position 2980, G replaced by A.
Protein change: p.Gly994Arg; replaces glycine 994 with arginine.
Molecular consequence: missense variant.
Genome position (GRCh38, 1-based): chr10:47,351,464, G>A. VCF-style: chr10-47351464-G-A. GRCh37 (hg19) VCF-style: chr10-48387898-C-T.
Other names: c.2980G>A (NM_002900.2); short protein forms G994R.
Identifiers: ClinVar variation 1426768 (VCV001426768.10), dbSNP rs147772956, ClinGen allele CA5487162.